The following is an entry in ClinVar:

NM_004187.5(KDM5C):c.3244dup (p.Arg1082fs)

Gene: KDM5C (lysine demethylase 5C; minus strand). Cytogenetic location: Xp11.22.
Variant type: Duplication.
Coding change: c.3244dup on transcript NM_004187.5 (MANE Select); coding-DNA position 3244, one base duplicated (A; older notation c.3244dupA).
Protein change: p.Arg1082fs; shifts the reading frame from arginine 1082.
Molecular consequence: frameshift variant. On other transcripts: non-coding transcript variant (3).
Genome position (GRCh38, 1-based): chrX:53,195,287, T duplicated on the plus strand (A on the coding strand, the reverse complement: KDM5C is on the minus strand). VCF-style (leftmost placement, unchanged base first): chrX-53195286-C-CT. GRCh37 (hg19) VCF-style: chrX-53224468-C-CT.
Other names: c.3043dup, p.Arg1015fs (NM_001146702.2); c.3241dup, p.Arg1081fs (NM_001282622.3, NM_001353979.2, NM_001353982.2); c.3244dup, p.Arg1082fs (NM_001353978.3, NM_001353981.2, NM_001353984.2); short protein forms R1015fs, R1082fs, R1081fs.
Identifiers: ClinVar variation 1034062 (VCV001034062.1), dbSNP rs1934751829, ClinGen allele CA2429757497.
Genomic context (GRCh38, chrX:53,195,286, plus strand): 5'-CTCACCTCCAGCAGCGTGTAGCAAGAATTTTTCTTGAGGAAGGTCTTGGAGGCCTTCTCC[C>CT]TCCAGGAGTGCGCTGTCAGTACCTGTAGCTCTAGCTGTCTCAGCTCCTCCAGCCCCACAG-3'

ClinVar aggregate classification (germline): Pathogenic (1 of 4 stars; one submission).

Conditions:
Intellectual developmental disorder, X-linked, syndromic, Claes-Jensen type. Also called: Syndromic X-linked intellectual disability Claes-Jensen type; INTELLECTUAL DEVELOPMENTAL DISORDER, X-LINKED, SYNDROMIC 16; MENTAL RETARDATION, X-LINKED, SYNDROMIC 16. Identifiers: Orphanet 85279, MedGen C1845243, MONDO:0010355, OMIM 300534.

Submission:

Baylor Genetics
Classification: Pathogenic for Intellectual developmental disorder, X-linked, syndromic, Claes-Jensen type. Last evaluated: 2018-10-04. Review status: criteria provided, single submitter. Criteria: ACMG Guidelines, 2015. Collection method: clinical testing. Allele origin: maternal. Affected: yes.
Comment: This variant was determined to be pathogenic according to ACMG Guidelines, 2015 [PMID:25741868].